The following is an entry in ClinVar:

ClinVar aggregate classification (germline): Likely pathogenic (1 of 4 stars; one submission).

Submission:

GeneDx
Classification: Likely pathogenic. Last evaluated: 2018-06-22. Review status: criteria provided, single submitter. Criteria: GeneDx Variant Classification (06012015). Collection method: clinical testing. Allele origin: germline. Affected: yes.
Comment: This variant causes a frameshift starting with codon Serine 807, changes this amino acid to a Glycine residue, and creates a premature Stop codon at position 18 of the new reading frame, denoted p.Ser807GlyfsX18. The c.2419_2438del20insG variant is predicted to cause loss of normal protein function either through protein truncation or nonsense-mediated mRNA decay. This variant is not observed in large population cohorts (Lek et al., 2016). We interpret c.2419_2438del20insG as a likely pathogenic variant.

NM_005562.3(LAMC2):c.2419_2438delinsG (p.Ser807fs)

Gene: LAMC2 (laminin subunit gamma 2; plus strand). Cytogenetic location: 1q25.3.
Variant type: Indel.
Coding change: c.2419_2438delinsG on transcript NM_005562.3 (MANE Select); coding-DNA positions 2419 to 2438, AGCCCGGACGGTGCTGTGGT replaced by G.
Protein change: p.Ser807fs; shifts the reading frame from serine 807.
Molecular consequence: frameshift variant.
Genome position (GRCh38, 1-based): chr1:183,235,693-183,235,712, AGCCCGGACGGTGCTGTGGT replaced by G. VCF-style: chr1-183235693-AGCCCGGACGGTGCTGTGGT-G. GRCh37 (hg19) VCF-style: chr1-183204828-AGCCCGGACGGTGCTGTGGT-G.
Other names: c.2419_2438delinsG, p.Ser807fs (NM_018891.3); short protein forms S807fs.
Identifiers: ClinVar variation 817622 (VCV000817622.1), dbSNP rs1571538391, ClinGen allele CA915941917.